The following is an entry in ClinVar:

ClinVar aggregate classification (germline): Uncertain significance. Review status: criteria provided, multiple submitters, no conflicts (2 of 4 stars). 2 submissions from 2 submitters: Uncertain significance (2). Last evaluated 2022-11-01.

Conditions:
Fanconi anemia (FA). Also called: Fanconi's anemia. Identifiers: Orphanet 84, MedGen C0015625, MeSH D005199, MONDO:0019391.
Fanconi anemia complementation group P. Also called: SLX4-Related Fanconi Anemia. Identifiers: Orphanet 84, MedGen C3469542, MONDO:0013499, OMIM 613951.

Allele frequency attached by ClinVar (database versions not stated): TOPMed 0.00001; ExAC 0.00002; gnomAD 0.00002; gnomAD exomes 0.00002.
gnomAD v4.1: 16 of 1,613,874 alleles (0.00099%); highest among the groups gnomAD compares: African/African-American, 0.0013%; no homozygotes.

Submissions (2):

Labcorp Genetics (formerly Invitae), Labcorp
Classification: Uncertain significance for Fanconi anemia. Last evaluated: 2022-11-01. Review status: criteria provided, single submitter. Criteria: Invitae Variant Classification Sherloc (09022015). Collection method: clinical testing. Allele origin: germline.
Comment: In summary, the available evidence is currently insufficient to determine the role of this variant in disease. Therefore, it has been classified as a Variant of Uncertain Significance. Algorithms developed to predict the effect of missense changes on protein structure and function (SIFT, PolyPhen-2, Align-GVGD) all suggest that this variant is likely to be tolerated. ClinVar contains an entry for this variant (Variation ID: 1395201). This variant has not been reported in the literature in individuals affected with SLX4-related conditions. This variant is present in population databases (rs762300440, gnomAD 0.004%). This sequence change replaces glutamine, which is neutral and polar, with proline, which is neutral and non-polar, at codon 843 of the SLX4 protein (p.Gln843Pro).

Fulgent Genetics
Classification: Uncertain significance for Fanconi anemia complementation group P. Last evaluated: 2022-05-02. Review status: criteria provided, single submitter. Criteria: ACMG Guidelines, 2015. Collection method: clinical testing. Allele origin: unknown.

NM_032444.4(SLX4):c.2528A>C (p.Gln843Pro)

Gene: SLX4 (SLX4 structure-specific endonuclease subunit; minus strand). Cytogenetic location: 16p13.3.
Variant type: single nucleotide variant.
Coding change: c.2528A>C on transcript NM_032444.4 (MANE Select); coding-DNA position 2528, A replaced by C.
Protein change: p.Gln843Pro; replaces glutamine 843 with proline.
Molecular consequence: missense variant.
Genome position (GRCh38, 1-based): chr16:3,591,110, T>G on the plus strand (A>C on the coding strand, the complement: SLX4 is on the minus strand). VCF-style: chr16-3591110-T-G. GRCh37 (hg19) VCF-style: chr16-3641111-T-G.
Other names: short protein forms Q843P.
Identifiers: ClinVar variation 1395201 (VCV001395201.5), dbSNP rs762300440, ClinGen allele CA7866132.
Genomic context (GRCh38, chr16:3,591,110, plus strand): 5'-TTTCGCTGAGTAGCTGCAAATTCATAAATTTCTTCCATTTCTGCTTCATTCACGTTTTCT[T>G]GATCTTCTTCGTGGTCCTTGGATTTCAACAAAGTCTCCGCTTCCTCCTCTTCATCTGCCC-3'
Protein context (NP_115820.2, residues 833-853): LLKSKDHEED[Gln843Pro]ENVNEAEMEE